The following is an entry in ClinVar:

ClinVar aggregate classification (germline): Uncertain significance. Review status: criteria provided, multiple submitters, no conflicts (2 of 4 stars). 4 submissions from 4 submitters: Uncertain significance (4). Last evaluated 2025-12-13.

Conditions:
Classic or attenuated familial adenomatous polyposis. Identifiers: MedGen CN372698, MONDO:0021057.
Hereditary cancer-predisposing syndrome. Also called: Hereditary neoplastic syndrome; Tumor predisposition; Neoplastic Syndromes, Hereditary; Hereditary Cancer Syndrome. Identifiers: Orphanet 140162, MedGen C0027672, MeSH D009386, MONDO:0015356.
Familial adenomatous polyposis 1 (FAP1). Also called: POLYPOSIS, ADENOMATOUS INTESTINAL; FAMILIAL ADENOMATOUS POLYPOSIS 1, ATTENUATED. Identifiers: MedGen C2713442, MONDO:0021056, OMIM 175100. Disease mechanism: loss of function.

Allele frequency attached by ClinVar (database versions not stated): gnomAD exomes below 0.00001.
gnomAD v4.1: 2 of 1,614,038 alleles (0.00012%); highest among the groups gnomAD compares: Non-Finnish European, 0.00017%; no homozygotes.

Submissions (4):

Ambry Genetics
Classification: Uncertain significance for Hereditary cancer-predisposing syndrome. Last evaluated: 2025-12-13. Review status: criteria provided, single submitter. Criteria: Ambry Variant Classification Scheme 2023. Collection method: clinical testing. Allele origin: germline.
Comment: The p.R727S variant (also known as c.2181G>C), located in coding exon 15 of the APC gene, results from a G to C substitution at nucleotide position 2181. The arginine at codon 727 is replaced by serine, an amino acid with dissimilar properties. This amino acid position is highly conserved in available vertebrate species. In addition, in silico predictors for this gene do not accurately predict pathogenicity. Since supporting evidence is limited at this time, the clinical significance of this alteration remains unclear.

Center for Genomic Medicine, Rigshospitalet, Copenhagen University Hospital
Classification: Uncertain significance. Last evaluated: 2025-03-04. Review status: criteria provided, single submitter. Criteria: ACMG Guidelines, 2015. Collection method: clinical testing. Allele origin: germline.

All of Us Research Program, National Institutes of Health
Classification: Uncertain significance for Classic or attenuated familial adenomatous polyposis. Last evaluated: 2023-11-20. Review status: criteria provided, single submitter. Criteria: ACMG Guidelines, 2015. Collection method: clinical testing. Allele origin: germline. Inheritance: Autosomal dominant inheritance. Observed: 1 variant allele, 1 heterozygote.
Comment: This missense variant replaces arginine with serine at codon 727 of the APC protein. Computational prediction suggests that this variant may not impact protein structure and function (internally defined REVEL score threshold <= 0.5, PMID: 27666373). To our knowledge, functional studies have not been reported for this variant. This variant has not been reported in individuals affected with APC-related disorders in the literature. This variant has been identified in 1/250166 chromosomes in the general population by the Genome Aggregation Database (gnomAD). The available evidence is insufficient to determine the role of this variant in disease conclusively. Therefore, this variant is classified as a Variant of Uncertain Significance.

This study involves interpretation of variants in research participants for the purpose of population health screening. Participant phenotype was not available at the time of variant classification. Additional details can be found in publication PMID: 35346344, PMCID: PMC8962531

Labcorp Genetics (formerly Invitae), Labcorp
Classification: Uncertain significance for Familial adenomatous polyposis 1. Last evaluated: 2022-07-05. Review status: criteria provided, single submitter. Criteria: Invitae Variant Classification Sherloc (09022015). Collection method: clinical testing. Allele origin: germline.
Comment: In summary, the available evidence is currently insufficient to determine the role of this variant in disease. Therefore, it has been classified as a Variant of Uncertain Significance. Algorithms developed to predict the effect of missense changes on protein structure and function (SIFT, PolyPhen-2, Align-GVGD) all suggest that this variant is likely to be disruptive. This variant has not been reported in the literature in individuals affected with APC-related conditions. This variant is present in population databases (no rsID available, gnomAD 0.0009%). This sequence change replaces arginine, which is basic and polar, with serine, which is neutral and polar, at codon 727 of the APC protein (p.Arg727Ser).

NM_000038.6(APC):c.2181G>C (p.Arg727Ser)

Gene: APC (APC regulator of Wnt signaling pathway; plus strand). Cytogenetic location: 5q22.2.
Variant type: single nucleotide variant.
Coding change: c.2181G>C on transcript NM_000038.6 (MANE Select); coding-DNA position 2181, G replaced by C.
Protein change: p.Arg727Ser; replaces arginine 727 with serine.
Molecular consequence: missense variant.
Genome position (GRCh38, 1-based): chr5:112,837,775, G>C. VCF-style: chr5-112837775-G-C. GRCh37 (hg19) VCF-style: chr5-112173472-G-C.
Other names: c.2181G>C, p.Arg727Ser (NM_001127510.3, NM_001354895.2); c.2127G>C, p.Arg709Ser (NM_001127511.3); c.2235G>C, p.Arg745Ser (NM_001354896.2); c.2211G>C, p.Arg737Ser (NM_001354897.2); c.2106G>C, p.Arg702Ser (NM_001354898.2); c.2097G>C, p.Arg699Ser (NM_001354899.2); c.2058G>C, p.Arg686Ser (NM_001354900.2); c.2004G>C, p.Arg668Ser (NM_001354901.2); and 6 more; short protein forms R444S, R567S, R601S, R626S, R636S, R668S, R686S, R699S.
Identifiers: ClinVar variation 1697520 (VCV001697520.16), dbSNP rs1346075889, ClinGen allele CA16026107.